The following is an entry in ClinVar:

NM_004304.5(ALK):c.4813G>T (p.Glu1605Ter)

Gene: ALK (ALK receptor tyrosine kinase; minus strand). Cytogenetic location: 2p23.2.
Variant type: single nucleotide variant.
Coding change: c.4813G>T on transcript NM_004304.5 (MANE Select); coding-DNA position 4813, G replaced by T.
Protein change: p.Glu1605Ter; replaces glutamic acid 1605 with a stop codon.
Molecular consequence: nonsense.
Genome position (GRCh38, 1-based): chr2:29,193,274, C>A on the plus strand (G>T on the coding strand, the complement: ALK is on the minus strand). VCF-style: chr2-29193274-C-A. GRCh37 (hg19) VCF-style: chr2-29416140-C-A.
Other names: c.1609G>T, p.Glu537Ter (NM_001353765.2); short protein forms E537*, E1605*.
Identifiers: ClinVar variation 3645920 (VCV003645920.2).
Genomic context (GRCh38, chr2:29,193,274, plus strand): 5'-GCGACCGAGCTCAGGGCCCAGGCTGGTTCATGCTATTCTTGCTTTTCAGAATGGTATCCT[C>A]GTAATGACCAGCTCCAGGGGCAGTAGCGGCTTCTAAGGGCAAGCCCTGTTGCTGGTAGCC-3'

ClinVar aggregate classification (germline): Uncertain significance (1 of 4 stars; one submission).

Conditions:
Neuroblastoma, susceptibility to, 3. Also called: ALK-Related Neuroblastic Tumor Susceptibility. Identifiers: Orphanet 635, MedGen C2751681, MONDO:0013083, OMIM 613014.

Submission:

Labcorp Genetics (formerly Invitae), Labcorp
Classification: Uncertain significance for Neuroblastoma, susceptibility to, 3. Last evaluated: 2024-03-14. Review status: criteria provided, single submitter. Criteria: Invitae Variant Classification Sherloc (09022015). Collection method: clinical testing. Allele origin: germline.
Comment: This sequence change creates a premature translational stop signal (p.Glu1605*) in the ALK gene. While this is not anticipated to result in nonsense mediated decay, it is expected to disrupt the last 16 amino acid(s) of the ALK protein. This variant is not present in population databases (gnomAD no frequency). This variant has not been reported in the literature in individuals affected with ALK-related conditions. In summary, the available evidence is currently insufficient to determine the role of this variant in disease. Therefore, it has been classified as a Variant of Uncertain Significance.